The following is an entry in ClinVar:

ClinVar aggregate classification (germline): Uncertain significance/Uncertain risk allele. Review status: criteria provided, multiple submitters, no conflicts (2 of 4 stars). 6 submissions from 6 submitters: Uncertain significance (4); Uncertain risk allele (1). 1 of the submissions does not count toward it. Last evaluated 2026-08-26.

Conditions:
Autosomal dominant nonsyndromic hearing loss 6 (LFSNHL). Also called: Autosomal dominant nonsyndromic deafness 6; DEAFNESS, AUTOSOMAL DOMINANT 14; DEAFNESS, AUTOSOMAL DOMINANT 38; DEAFNESS, AUTOSOMAL DOMINANT 6. Identifiers: Orphanet 90635, MedGen C1833021, MONDO:0010963, OMIM 600965.
Cataract 41 (CTRCT41). Also called: CATARACT 41, CONGENITAL NUCLEAR TYPE. Identifiers: Orphanet 91492, Orphanet 98991, Orphanet 98992, Orphanet 98995, MedGen C3805412, MONDO:0007287, OMIM 116400.
Wolfram-like syndrome. Also called: HEARING LOSS, PROGRESSIVE, WITH OPTIC ATROPHY AND/OR IMPAIRED GLUCOSE REGULATION. Identifiers: Orphanet 411590, MedGen C3280358, MONDO:0013673, OMIM 614296.
Type 2 diabetes mellitus. Also called: Type II diabetes mellitus. Identifiers: MedGen C0011860, MeSH D003924, MONDO:0005148, OMIM 125853, HP:0005978.
Wolfram syndrome 1 (WFS1). Identifiers: Orphanet 3463, MedGen C4551693, MONDO:0009101, OMIM 222300.
WFS1-related disorder. Identifiers: MedGen CN379391, MONDO:0700293.
Diabetes mellitus. Also called: Diabetes mellitus (disease). Identifiers: MedGen C0011849, MONDO:0005015, HP:0000819.

Allele frequency attached by ClinVar (database versions not stated): gnomAD exomes below 0.00001; TOPMed below 0.00001; ExAC 0.00001.
gnomAD v4.1: 1 of 1,612,896 alleles (0.000062%); highest among the groups gnomAD compares: Non-Finnish European, 0.000085%; no homozygotes.

Submissions (6):

PreventionGenetics, part of Exact Sciences
Classification: Uncertain significance for WFS1-related condition. Last evaluated: 2026-08-26. Review status: criteria provided, single submitter. Criteria: ACMG Guidelines, 2015. Collection method: clinical testing. Allele origin: germline.
Comment: The WFS1 c.2082G>C variant is predicted to result in the amino acid substitution p.Glu694Asp. This variant has been reported in the heterozygous state in an individual with diabetes who also carried a heterozygous truncating WFS1 variant (Marchand et al. 2021. PubMed ID: 33538814). This variant is reported in 0.00089% of alleles in individuals of European (Non-Finnish) descent in gnomAD. At this time, the clinical significance of this variant is uncertain due to the absence of conclusive functional and genetic evidence.

Fulgent Genetics
Classification: Uncertain significance for Cataract 41; Type 2 diabetes mellitus; Wolfram syndrome 1; Autosomal dominant nonsyndromic hearing loss 6; Wolfram-like syndrome. Last evaluated: 2024-05-10. Review status: criteria provided, single submitter. Criteria: ACMG Guidelines, 2015. Collection method: clinical testing. Allele origin: germline.

Labcorp Genetics (formerly Invitae), Labcorp
Classification: Uncertain significance. Last evaluated: 2023-06-25. Review status: criteria provided, single submitter. Criteria: Invitae Variant Classification Sherloc (09022015). Collection method: clinical testing. Allele origin: germline.
Comment: This sequence change replaces glutamic acid, which is acidic and polar, with aspartic acid, which is acidic and polar, at codon 694 of the WFS1 protein (p.Glu694Asp). This variant is present in population databases (rs751270928, gnomAD 0.0009%). This missense change has been observed in individual(s) with nonsyndromic diabetes (PMID: 33538814). ClinVar contains an entry for this variant (Variation ID: 918068). Advanced modeling of protein sequence and biophysical properties (such as structural, functional, and spatial information, amino acid conservation, physicochemical variation, residue mobility, and thermodynamic stability) performed at Invitae indicates that this missense variant is not expected to disrupt WFS1 protein function. In summary, the available evidence is currently insufficient to determine the role of this variant in disease. Therefore, it has been classified as a Variant of Uncertain Significance.

Blueprint Genetics
Classification: Uncertain significance. Last evaluated: 2020-04-24. Review status: criteria provided, single submitter. Criteria: ACMG Guidelines, 2015. Collection method: clinical testing. Allele origin: germline.

Clinical Genomics, Uppaluri K&H Personalized Medicine Clinic
Classification: Uncertain risk allele for Wolfram syndrome 1. Review status: criteria provided, single submitter. Criteria: K & H Uppaluri Personalized Medicine Clinic Variant Classification & Assertion Criteria_Updated V.1. Collection method: research. Allele origin: unknown. Inheritance: Autosomal recessive inheritance.
Comment: Potent mutations in WFS1 gene are associated with Wolfram's syndrome, an autosomal recessive condition, which cause diabetes mellitus, diabetes insipidus, deafness and optic atrophy.However no sufficient evidence is found to ascertain the role of this particular variant rs751270928 in Wolfram's syndrome yet.

Constantin Polychronakos Laboratory, The Research Institute of the McGill University Health Centre
Classification: Uncertain significance for Diabetes mellitus. Review status: no assertion criteria provided. Collection method: research. Allele origin: maternal. Inheritance: Autosomal recessive inheritance. Affected: yes. Observed: 1 compound heterozygote. Study: T1DGC. Not counted in ClinVar's aggregate classification.
Comment: PM2 PM3 PP3

Literature cited by the submitters: PubMed 33538814 (cited by Labcorp Genetics (formerly Invitae), Labcorp); PubMed 20738327 (cited by Clinical Genomics, Uppaluri K&H Personalized Medicine Clinic); PubMed 33879153 (cited by Clinical Genomics, Uppaluri K&H Personalized Medicine Clinic); PubMed 12955714 (cited by Clinical Genomics, Uppaluri K&H Personalized Medicine Clinic); PubMed 18060660 (cited by Clinical Genomics, Uppaluri K&H Personalized Medicine Clinic); PubMed 20301750 (cited by Clinical Genomics, Uppaluri K&H Personalized Medicine Clinic); PubMed 17603484 (cited by Clinical Genomics, Uppaluri K&H Personalized Medicine Clinic).

NM_006005.3(WFS1):c.2082G>C (p.Glu694Asp)

Gene: WFS1 (wolframin ER transmembrane glycoprotein; plus strand). Cytogenetic location: 4p16.1.
Variant type: single nucleotide variant.
Coding change: c.2082G>C on transcript NM_006005.3 (MANE Select); coding-DNA position 2082, G replaced by C.
Protein change: p.Glu694Asp; replaces glutamic acid 694 with aspartic acid.
Molecular consequence: missense variant.
Genome position (GRCh38, 1-based): chr4:6,301,877, G>C. VCF-style: chr4-6301877-G-C. GRCh37 (hg19) VCF-style: chr4-6303604-G-C.
Other names: c.2082G>C, p.Glu694Asp (NM_001145853.1); short protein forms E694D.
Identifiers: ClinVar variation 918068 (VCV000918068.10), dbSNP rs751270928, ClinGen allele CA2839592.
Genomic context (GRCh38, chr4:6,301,877, plus strand): 5'-GCCACGCGCCTGGAAGGAGACCAACATGGCGCGCACCCAGATCCTCTGCAGCCACCTGGA[G>C]GGCCACAGGGTCACGTGGACCGGCCGCTTCAAGTACGTCCGCGTGACTGACATCGACAAC-3'
Protein context (NP_005996.2, residues 684-704): ARTQILCSHL[Glu694Asp]GHRVTWTGRF